The following is an entry in ClinVar:

ClinVar aggregate classification (germline): Conflicting classifications of pathogenicity. Review status: criteria provided, conflicting classifications (1 of 4 stars). 3 submissions from 3 submitters: Uncertain significance (1); Likely benign (2). Last evaluated 2026-04-24.

Submissions (3):

GeneDx
Classification: Uncertain significance. Last evaluated: 2026-04-24. Review status: criteria provided, single submitter. Criteria: GeneDx Variant Classification Process June 2021. Collection method: clinical testing. Allele origin: germline.
Comment: Has not been previously published as pathogenic or benign to our knowledge; In silico analysis is inconclusive as to whether the variant alters gene splicing. In the absence of RNA/functional studies, the actual effect of this sequence change is unknown.

CeGaT Center for Human Genetics Tuebingen
Classification: Likely benign. Last evaluated: 2025-04-01. Review status: criteria provided, single submitter. Criteria: CeGaT Center For Human Genetics Tuebingen Variant Classification Criteria Version 2. Collection method: clinical testing. Allele origin: germline. Affected: yes. Observed: 1 variant allele.
Comment: SHANK3: BS2

Blueprint Genetics
Classification: Likely benign. Last evaluated: 2024-08-23. Review status: criteria provided, single submitter. Criteria: ACMG Guidelines, 2015. Collection method: clinical testing. Allele origin: germline.

NM_001372044.2(SHANK3):c.291-5T>G

Gene: SHANK3 (SH3 and multiple ankyrin repeat domains 3; plus strand). Cytogenetic location: 22q13.33.
Variant type: single nucleotide variant.
Coding change: c.291-5T>G on transcript NM_001372044.2 (MANE Select); 5 bases into the intron before coding-DNA position 291, T replaced by G.
Molecular consequence: intron variant.
Genome position (GRCh38, 1-based): chr22:50,675,043, T>G. VCF-style: chr22-50675043-T-G. GRCh37 (hg19) VCF-style: chr22-51113471-T-G.
Identifiers: ClinVar variation 3898605 (VCV003898605.9).